The following is an entry in ClinVar:

ClinVar aggregate classification (germline): Conflicting classifications of pathogenicity. Review status: criteria provided, conflicting classifications (1 of 4 stars). 4 submissions from 4 submitters: Uncertain significance (3); Likely benign (1). Last evaluated 2025-03-16.

Conditions:
Familial cancer of breast. Also called: BREAST CANCER, FAMILIAL; Hereditary breast cancer; hereditary breast carcinoma. Identifiers: Orphanet 227535, MedGen C0346153, MONDO:0016419, OMIM 114480. Disease mechanism: loss of function.
Fanconi anemia complementation group J. Also called: BRIP1-Related Fanconi Anemia. Identifiers: Orphanet 84, MedGen C1836860, MONDO:0012187, OMIM 609054.
Hereditary cancer-predisposing syndrome. Also called: Tumor predisposition; Neoplastic Syndromes, Hereditary; Hereditary Cancer Syndrome; Hereditary neoplastic syndrome. Identifiers: Orphanet 140162, MedGen C0027672, MeSH D009386, MONDO:0015356.

Allele frequency attached by ClinVar (database versions not stated): TOPMed 0.00001.
gnomAD v4.1: 1 of 1,612,434 alleles (0.000062%); no homozygotes.

Submissions (4):

Labcorp Genetics (formerly Invitae), Labcorp
Classification: Uncertain significance for Familial cancer of breast; Fanconi anemia complementation group J. Last evaluated: 2025-03-16. Review status: criteria provided, single submitter. Criteria: Invitae Variant Classification Sherloc (09022015). Collection method: clinical testing. Allele origin: germline.
Comment: This sequence change replaces aspartic acid, which is acidic and polar, with alanine, which is neutral and non-polar, at codon 1141 of the BRIP1 protein (p.Asp1141Ala). This variant is not present in population databases (gnomAD no frequency). This variant has not been reported in the literature in individuals affected with BRIP1-related conditions. ClinVar contains an entry for this variant (Variation ID: 643619). Invitae Evidence Modeling of protein sequence and biophysical properties (such as structural, functional, and spatial information, amino acid conservation, physicochemical variation, residue mobility, and thermodynamic stability) indicates that this missense variant is not expected to disrupt BRIP1 protein function with a negative predictive value of 95%. In summary, the available evidence is currently insufficient to determine the role of this variant in disease. Therefore, it has been classified as a Variant of Uncertain Significance.

Ambry Genetics
Classification: Likely benign for Hereditary cancer-predisposing syndrome. Last evaluated: 2024-06-21. Review status: criteria provided, single submitter. Criteria: Ambry Variant Classification Scheme 2023. Collection method: clinical testing. Allele origin: germline.

Color Diagnostics, LLC DBA Color Health
Classification: Uncertain significance for Hereditary cancer-predisposing syndrome. Last evaluated: 2023-12-04. Review status: criteria provided, single submitter. Criteria: ACMG Guidelines, 2015. Collection method: clinical testing. Allele origin: germline.
Comment: This missense variant replaces aspartic acid with alanine at codon 1141 of the BRIP1 protein. Computational prediction tools and conservation analyses are inconclusive regarding the impact of this variant on protein structure and function. Splice site prediction tools suggest that this variant may not impact RNA splicing. To our knowledge, functional studies have not been performed for this variant. This variant has not been reported in individuals affected with hereditary cancer in the literature. This variant has not been identified in the general population by the Genome Aggregation Database (gnomAD). The available evidence is insufficient to determine the role of this variant in disease conclusively. Therefore, this variant is classified as a Variant of Uncertain Significance.

Blueprint Genetics
Classification: Uncertain significance. Last evaluated: 2023-04-21. Review status: criteria provided, single submitter. Criteria: ACMG Guidelines, 2015. Collection method: clinical testing. Allele origin: germline.

NM_032043.3(BRIP1):c.3422A>C (p.Asp1141Ala)

Gene: BRIP1 (BRCA1 interacting DNA helicase 1; minus strand). Cytogenetic location: 17q23.2.
Variant type: single nucleotide variant.
Coding change: c.3422A>C on transcript NM_032043.3 (MANE Select); coding-DNA position 3422, A replaced by C.
Protein change: p.Asp1141Ala; replaces aspartic acid 1141 with alanine.
Molecular consequence: missense variant.
Genome position (GRCh38, 1-based): chr17:61,683,624, T>G on the plus strand (A>C on the coding strand, the complement: BRIP1 is on the minus strand). VCF-style: chr17-61683624-T-G. GRCh37 (hg19) VCF-style: chr17-59760985-T-G.
Other names: short protein forms D1141A.
Identifiers: ClinVar variation 643619 (VCV000643619.18), dbSNP rs1034551306, ClinGen allele CA292267261.